The following is an entry in ClinVar:

ClinVar aggregate classification (germline): Uncertain significance (1 of 4 stars; one submission).

Conditions:
Cardiomyopathy (CMYO). Also called: Cardiomyopathies. Identifiers: Orphanet 167848, MedGen C0878544, MONDO:0004994, HP:0001638. Inheritance: Various modes of inheritance.

Submission:

Color Diagnostics, LLC DBA Color Health
Classification: Uncertain significance for Cardiomyopathy. Last evaluated: 2019-12-16. Review status: criteria provided, single submitter. Criteria: ACMG Guidelines, 2015. Collection method: clinical testing. Allele origin: germline.
Comment: This variant causes a deletion of 1 nucleotide in intron 7 splice acceptor site of the TMEM43 gene. To our knowledge, functional studies have not been performed for this variant. This variant has not been reported in individuals affected with cardiovascular disorders in the literature. This variant has not been identified in the general population by the Genome Aggregation Database (gnomAD). The available evidence is insufficient to determine the role of this variant in disease conclusively. Therefore, this variant is classified as a Variant of Uncertain Significance.

NM_024334.3(TMEM43):c.584-14del

Gene: TMEM43 (transmembrane protein 43; plus strand). Cytogenetic location: 3p25.1.
Variant type: Deletion.
Coding change: c.584-14del on transcript NM_024334.3 (MANE Select); 14 bases into the intron before coding-DNA position 584, one base deleted (T; older notation c.584-14delT).
Molecular consequence: intron variant.
Genome position (GRCh38, 1-based): chr3:14,134,756, T deleted. VCF-style (leftmost placement, unchanged base first): chr3-14134755-CT-C. GRCh37 (hg19) VCF-style: chr3-14176255-CT-C.
Identifiers: ClinVar variation 921237 (VCV000921237.3), dbSNP rs1695143759, ClinGen allele CA1139657903.